The following is an entry in ClinVar:

ClinVar aggregate classification (germline): Uncertain significance (1 of 4 stars; one submission).

Conditions:
Renal cell carcinoma. Identifiers: Orphanet 217071, MedGen C0007134, MeSH D002292, MONDO:0005086, HP:0005584.

Submission:

Labcorp Genetics (formerly Invitae), Labcorp
Classification: Uncertain significance for Renal cell carcinoma. Last evaluated: 2020-06-22. Review status: criteria provided, single submitter. Criteria: Invitae Variant Classification Sherloc (09022015). Collection method: clinical testing. Allele origin: germline.
Comment: This sequence change replaces lysine with asparagine at codon 700 of the MET protein (p.Lys700Asn). The lysine residue is moderately conserved and there is a moderate physicochemical difference between lysine and asparagine. This variant is not present in population databases (ExAC no frequency). This variant has not been reported in the literature in individuals with MET-related conditions. Algorithms developed to predict the effect of missense changes on protein structure and function are either unavailable or do not agree on the potential impact of this missense change (SIFT: "Deleterious"; PolyPhen-2: "Possibly Damaging"; Align-GVGD: "Class C0"). Algorithms developed to predict the effect of sequence changes on RNA splicing suggest that this variant may create or strengthen a splice site, but this prediction has not been confirmed by published transcriptional studies. In summary, the available evidence is currently insufficient to determine the role of this variant in disease. Therefore, it has been classified as a Variant of Uncertain Significance.

NM_000245.4(MET):c.2100A>C (p.Lys700Asn)

Gene: MET (MET proto-oncogene, receptor tyrosine kinase; plus strand). Cytogenetic location: 7q31.2.
Variant type: single nucleotide variant.
Coding change: c.2100A>C on transcript NM_000245.4 (MANE Select); coding-DNA position 2100, A replaced by C.
Protein change: p.Lys700Asn; replaces lysine 700 with asparagine.
Molecular consequence: missense variant.
Genome position (GRCh38, 1-based): chr7:116,757,772, A>C. VCF-style: chr7-116757772-A-C. GRCh37 (hg19) VCF-style: chr7-116397826-A-C.
Other names: c.2100A>C, p.Lys700Asn (NM_001127500.3, NM_001324401.3); c.810A>C, p.Lys270Asn (NM_001324402.2); short protein forms K270N, K700N.
Identifiers: ClinVar variation 1043635 (VCV001043635.8), dbSNP rs1794246923, ClinGen allele CA368980290.